The following is an entry in ClinVar:

NM_017637.6(BNC2):c.2003A>G (p.Asn668Ser)

Genes: BNC2 (basonuclin zinc finger protein 2; minus strand), LOC126860585 (MED14-independent group 3 enhancer GRCh37_chr9:16435259-16436458; plus strand). Cytogenetic location: 9p22.3.
Variant type: single nucleotide variant.
Coding change: c.2003A>G on transcript NM_017637.6 (MANE Select); coding-DNA position 2003, A replaced by G.
Protein change: p.Asn668Ser; replaces asparagine 668 with serine.
Molecular consequence: missense variant.
Genome position (GRCh38, 1-based): chr9:16,436,191, T>C on the plus strand (A>G on the coding strand, the complement: BNC2 is on the minus strand). VCF-style: chr9-16436191-T-C. GRCh37 (hg19) VCF-style: chr9-16436189-T-C.
Other names: c.1877A>G, p.Asn626Ser (NM_001317939.2); c.1718A>G, p.Asn573Ser (NM_001317940.2); short protein forms N668S, N626S, N573S.
Identifiers: ClinVar variation 2342779 (VCV002342779.5), dbSNP rs141312504, ClinGen allele CA4995982.

ClinVar aggregate classification (germline): Uncertain significance. Review status: criteria provided, multiple submitters, no conflicts (2 of 4 stars). 2 submissions from 2 submitters: Uncertain significance (2). Last evaluated 2026-01-14.

Conditions:
Inborn genetic diseases. Identifiers: MedGen C0950123, MeSH D030342.

Allele frequency attached by ClinVar (database versions not stated): gnomAD exomes 0.00010; TOPMed 0.00013; ESP Exome Variant Server 0.00015; gnomAD 0.00009; ExAC 0.00014; 1000 Genomes Project 0.00040; 1000 Genomes Project 30x 0.00031.
gnomAD v4.1: 160 of 1,614,196 alleles (0.0099%); highest among the groups gnomAD compares: South Asian, 0.026%; no homozygotes.

Submissions (2):

Labcorp Genetics (formerly Invitae), Labcorp
Classification: Uncertain significance. Last evaluated: 2026-01-14. Review status: criteria provided, single submitter. Criteria: Invitae Variant Classification Sherloc (09022015). Collection method: clinical testing. Allele origin: germline.
Comment: This sequence change replaces asparagine, which is neutral and polar, with serine, which is neutral and polar, at codon 668 of the BNC2 protein (p.Asn668Ser). This variant is present in population databases (rs141312504, gnomAD 0.04%), and has an allele count higher than expected for a pathogenic variant. This variant has not been reported in the literature in individuals affected with BNC2-related conditions. ClinVar contains an entry for this variant (Variation ID: 2342779). An algorithm developed to predict the effect of missense changes on protein structure and function outputs the following: PolyPhen-2: "Benign". The serine amino acid residue is found in multiple mammalian species, which suggests that this missense change does not adversely affect protein function. In summary, the available evidence is currently insufficient to determine the role of this variant in disease. Therefore, it has been classified as a Variant of Uncertain Significance.

Ambry Genetics
Classification: Uncertain significance for Inborn genetic diseases. Last evaluated: 2023-12-19. Review status: criteria provided, single submitter. Criteria: Ambry Variant Classification Scheme 2023. Collection method: clinical testing. Allele origin: germline.